The following is an entry in ClinVar:

NC_000001.10:g.(?_216166362)_(216166509_?)del

Gene: USH2A (usherin; minus strand). Cytogenetic location: 1q41.
Variant type: Deletion.
Identifiers: ClinVar variation 1074583 (VCV001074583.1).

ClinVar aggregate classification (germline): Pathogenic (1 of 4 stars; one submission).

Submission:

Labcorp Genetics (formerly Invitae), Labcorp
Classification: Pathogenic. Last evaluated: 2020-02-07. Review status: criteria provided, single submitter. Criteria: Invitae Variant Classification Sherloc (09022015). Collection method: clinical testing. Allele origin: germline.
Comment: This variant is an out-of-frame deletion of the genomic region encompassing exon 35 of the USH2A gene. This is expected to create a premature translational stop signal and result in an absent or disrupted protein product. This variant has not been reported in the literature in individuals with USH2A-related conditions. Loss-of-function variants in USH2A are known to be pathogenic (PMID: 10729113, 10909849, 20507924, 25649381). For these reasons, this variant has been classified as Pathogenic.

Literature cited by the submitters: PubMed 10729113; PubMed 10909849; PubMed 20507924; PubMed 25649381.